The following is an entry in ClinVar:

ClinVar aggregate classification (germline): Uncertain significance (0 of 4 stars; one submission).

Conditions:
EXPH5-related disorder. Also called: EXPH5-related condition.

gnomAD v4.1: 51 of 1,614,110 alleles (0.0032%); highest among the groups gnomAD compares: African/African-American, 0.055%; no homozygotes.

Submission:

PreventionGenetics, part of Exact Sciences
Classification: Uncertain significance for EXPH5-related condition. Last evaluated: 2024-08-30. Review status: no assertion criteria provided. Collection method: clinical testing. Allele origin: germline.
Comment: The EXPH5 c.1949C>T variant is predicted to result in the amino acid substitution p.Thr650Ile. To our knowledge, this variant has not been reported in the literature. This variant is reported in 0.044% of alleles in individuals of African descent in gnomAD. At this time, the clinical significance of this variant is uncertain due to the absence of conclusive functional and genetic evidence.

NM_015065.3(EXPH5):c.1949C>T (p.Thr650Ile)

Gene: EXPH5 (exophilin 5; minus strand). Cytogenetic location: 11q22.3.
Variant type: single nucleotide variant.
Coding change: c.1949C>T on transcript NM_015065.3 (MANE Select); coding-DNA position 1949, C replaced by T.
Protein change: p.Thr650Ile; replaces threonine 650 with isoleucine.
Molecular consequence: missense variant.
Genome position (GRCh38, 1-based): chr11:108,513,558, G>A on the plus strand (C>T on the coding strand, the complement: EXPH5 is on the minus strand). VCF-style: chr11-108513558-G-A. GRCh37 (hg19) VCF-style: chr11-108384285-G-A.
Other names: c.1721C>T, p.Thr574Ile (NM_001144763.2); c.1481C>T, p.Thr494Ile (NM_001144764.2); c.1385C>T, p.Thr462Ile (NM_001144765.2); c.1928C>T, p.Thr643Ile (NM_001308019.2); short protein forms T462I, T494I, T574I, T643I, T650I.
Identifiers: ClinVar variation 3347549 (VCV003347549.1).
Genomic context (GRCh38, chr11:108,513,558, plus strand): 5'-GTATGGCTTCTCATTGGATGAGAGGCAGGCTTATTTGGAAAAATTTTCTGCAAAGTGACT[G>A]TGGGATTCTGCAAGTTGGGACTCTGAGGATTCCTTCTGTCATCAGAAATCTGGGAAAAGG-3'
Protein context (NP_055880.2, residues 640-660): NPQSPNLQNP[Thr650Ile]VTLQKIFPNK